The following is an entry in ClinVar:

NM_012463.4(ATP6V0A2):c.1604del (p.Pro535fs)

Gene: ATP6V0A2 (ATPase H+ transporting V0 subunit a2; plus strand). Cytogenetic location: 12q24.31.
Variant type: Deletion.
Coding change: c.1604del on transcript NM_012463.4 (MANE Select); coding-DNA position 1604, one base deleted (C; older notation c.1604delC).
Protein change: p.Pro535fs; shifts the reading frame from proline 535.
Molecular consequence: frameshift variant.
Genome position (GRCh38, 1-based): chr12:123,744,971, C deleted; the last of 2 consecutive C bases (chr12:123,744,970-123,744,971); deleting either gives the same sequence. VCF-style (leftmost placement, unchanged base first): chr12-123744969-TC-T. GRCh37 (hg19) VCF-style: chr12-124229516-TC-T.
Other names: short protein forms P535fs.
Identifiers: ClinVar variation 2813479 (VCV002813479.3), dbSNP rs2541865278, ClinGen allele CA2739277341.

ClinVar aggregate classification (germline): Pathogenic (1 of 4 stars; one submission).

Conditions:
ALG9 congenital disorder of glycosylation (CDG1L). Also called: CDG Il; ALG9-CDG; CONGENITAL DISORDER OF GLYCOSYLATION, TYPE Il. Identifiers: Orphanet 79328, MedGen C2931006, MONDO:0012117, OMIM 608776.

Submission:

Labcorp Genetics (formerly Invitae), Labcorp
Classification: Pathogenic for ALG9 congenital disorder of glycosylation. Last evaluated: 2022-11-23. Review status: criteria provided, single submitter. Criteria: Invitae Variant Classification Sherloc (09022015). Collection method: clinical testing. Allele origin: germline.
Comment: This sequence change creates a premature translational stop signal (p.Pro535Leufs*13) in the ATP6V0A2 gene. It is expected to result in an absent or disrupted protein product. Loss-of-function variants in ATP6V0A2 are known to be pathogenic (PMID: 18157129, 19321599). For these reasons, this variant has been classified as Pathogenic. This variant has not been reported in the literature in individuals affected with ATP6V0A2-related conditions. This variant is not present in population databases (gnomAD no frequency).

Literature cited by the submitters: PubMed 18157129; PubMed 19321599.